The following is an entry in ClinVar:

ClinVar aggregate classification (germline): Likely pathogenic (1 of 4 stars; one submission).

Conditions:
Bardet-Biedl syndrome (BBS). Identifiers: Orphanet 110, MedGen C0752166, MONDO:0015229.

Submission:

Labcorp Genetics (formerly Invitae), Labcorp
Classification: Likely pathogenic for Bardet-Biedl syndrome. Last evaluated: 2023-06-09. Review status: criteria provided, single submitter. Criteria: Invitae Variant Classification Sherloc (09022015). Collection method: clinical testing. Allele origin: germline.
Comment: In summary, the currently available evidence indicates that the variant is pathogenic, but additional data are needed to prove that conclusively. Therefore, this variant has been classified as Likely Pathogenic. Algorithms developed to predict the effect of sequence changes on RNA splicing suggest that this variant may disrupt the consensus splice site. This variant has not been reported in the literature in individuals affected with BBS9-related conditions. This variant is not present in population databases (gnomAD no frequency). This sequence change affects an acceptor splice site in intron 13 of the BBS9 gene. It is expected to disrupt RNA splicing. Variants that disrupt the donor or acceptor splice site typically lead to a loss of protein function (PMID: 16199547), and loss-of-function variants in BBS9 are known to be pathogenic (PMID: 16380913, 20177705).

Literature cited by the submitters: PubMed 16199547; PubMed 16380913; PubMed 20177705.

NM_198428.3(BBS9):c.1433-2A>G

Gene: BBS9 (Bardet-Biedl syndrome 9; plus strand). Cytogenetic location: 7p14.3.
Variant type: single nucleotide variant.
Coding change: c.1433-2A>G on transcript NM_198428.3 (MANE Select); the canonical splice acceptor site of the intron before coding-DNA position 1433, A replaced by G.
Molecular consequence: splice acceptor variant. On other transcripts: non-coding transcript variant (1), intron variant (5).
Genome position (GRCh38, 1-based): chr7:33,351,217, A>G. VCF-style: chr7-33351217-A-G. GRCh37 (hg19) VCF-style: chr7-33390829-A-G.
Other names: c.1433-2A>G (NM_001348036.1, NM_001362679.1, NM_001348041.4 and 2 more transcripts); c.1160-2A>G (NM_001348038.3); c.1160-1642A>G (NM_001348039.3); c.1433-1642A>G (NM_001033604.2); c.1432+2047A>G (NM_014451.4, NM_001348040.3); c.1067-2A>G (NM_001348037.3, NM_001348045.3, NM_001348046.3); c.1298-2A>G (NM_001348042.3); c.1067-1642A>G (NM_001348044.3).
Identifiers: ClinVar variation 2700033 (VCV002700033.3), dbSNP rs2536015460, ClinGen allele CA367255855.